The following is an entry in ClinVar:

ClinVar aggregate classification (germline): Likely benign (1 of 4 stars; one submission).

Conditions:
PAX7-related disorder. Also called: PAX7-related condition.

gnomAD v4.1: 92 of 1,614,028 alleles (0.0057%); highest among the groups gnomAD compares: Admixed American, 0.015%; no homozygotes.

Submission:

PreventionGenetics, part of Exact Sciences
Classification: Likely benign for PAX7-related condition. Last evaluated: 2026-03-19. Review status: criteria provided, single submitter. Criteria: ACMG Guidelines, 2015. Collection method: clinical testing. Allele origin: germline.
Comment: This variant is classified as likely benign based on ACMG/AMP sequence variant interpretation guidelines (Richards et al. 2015 PMID: 25741868, with internal and published modifications).

NM_001135254.2(PAX7):c.1104G>A (p.Pro368=)

Gene: PAX7 (paired box 7; plus strand). Cytogenetic location: 1p36.13.
Variant type: single nucleotide variant.
Coding change: c.1104G>A on transcript NM_001135254.2 (MANE Select); coding-DNA position 1104, G replaced by A.
Protein change: p.Pro368=; no amino-acid change (proline 368 retained).
Molecular consequence: synonymous variant.
Genome position (GRCh38, 1-based): chr1:18,703,245, G>A. VCF-style: chr1-18703245-G-A. GRCh37 (hg19) VCF-style: chr1-19029739-G-A.
Other names: c.1104G>A, p.Pro368= (NM_002584.3); c.1098G>A, p.Pro366= (NM_013945.3).
Identifiers: ClinVar variation 4977175 (VCV004977175.1).